The following is an entry in ClinVar:

ClinVar aggregate classification (germline): Uncertain significance (1 of 4 stars; one submission).

Submission:

GeneDx
Classification: Uncertain significance. Last evaluated: 2022-11-10. Review status: criteria provided, single submitter. Criteria: GeneDx Variant Classification Process June 2021. Collection method: clinical testing. Allele origin: germline. Affected: yes.
Comment: Not observed at significant frequency in large population cohorts (gnomAD); In silico analysis is inconclusive as to whether the variant alters gene splicing. In the absence of RNA/functional studies, the actual effect of this sequence change is unknown.; Has not been previously published as pathogenic or benign to our knowledge

NM_001854.4(COL11A1):c.4140+3A>G

Gene: COL11A1 (collagen type XI alpha 1 chain; minus strand). Cytogenetic location: 1p21.1.
Variant type: single nucleotide variant.
Coding change: c.4140+3A>G on transcript NM_001854.4 (MANE Select); 3 bases into the intron after coding-DNA position 4140, A replaced by G.
Molecular consequence: intron variant.
Genome position (GRCh38, 1-based): chr1:102,898,938, T>C on the plus strand (A>G on the coding strand, the complement: COL11A1 is on the minus strand). VCF-style: chr1-102898938-T-C. GRCh37 (hg19) VCF-style: chr1-103364494-T-C.
Other names: c.4023+3A>G (NM_001190709.2); c.4176+3A>G (NM_080629.3); c.3792+3A>G (NM_080630.4).
Identifiers: ClinVar variation 2502655 (VCV002502655.1), dbSNP rs1553196515, ClinGen allele CA2580611186.